The following is an entry in ClinVar:

NM_001001563.5(TIMM50):c.763C>T (p.Arg255Cys)

Gene: TIMM50 (translocase of inner mitochondrial membrane 50; plus strand). Cytogenetic location: 19q13.2.
Variant type: single nucleotide variant.
Coding change: c.763C>T on transcript NM_001001563.5 (MANE Select); coding-DNA position 763, C replaced by T.
Protein change: p.Arg255Cys; replaces arginine 255 with cysteine.
Molecular consequence: missense variant.
Genome position (GRCh38, 1-based): chr19:39,488,127, C>T. VCF-style: chr19-39488127-C-T. GRCh37 (hg19) VCF-style: chr19-39978767-C-T.
Other names: c.424C>T, p.Arg142Cys (NM_001329559.2); short protein forms R142C, R255C.
Identifiers: ClinVar variation 1407195 (VCV001407195.5), dbSNP rs369800453, ClinGen allele CA9431955.

ClinVar aggregate classification (germline): Uncertain significance (1 of 4 stars; one submission).

Allele frequency attached by ClinVar (database versions not stated): ExAC 0.00002; gnomAD 0.00004 and 0.00005; ESP Exome Variant Server 0.00008; 1000 Genomes Project 30x 0.00016; 1000 Genomes Project 0.00020.
gnomAD v4.1: 186 of 1,614,036 alleles (0.012%); highest among the groups gnomAD compares: Non-Finnish European, 0.015%; no homozygotes.

Submission:

Labcorp Genetics (formerly Invitae), Labcorp
Classification: Uncertain significance. Last evaluated: 2024-01-01. Review status: criteria provided, single submitter. Criteria: Invitae Variant Classification Sherloc (09022015). Collection method: clinical testing. Allele origin: germline.
Comment: This sequence change replaces arginine, which is basic and polar, with cysteine, which is neutral and slightly polar, at codon 358 of the TIMM50 protein (p.Arg358Cys). This variant is present in population databases (rs369800453, gnomAD 0.006%). This variant has not been reported in the literature in individuals affected with TIMM50-related conditions. ClinVar contains an entry for this variant (Variation ID: 1407195). Advanced modeling of protein sequence and biophysical properties (such as structural, functional, and spatial information, amino acid conservation, physicochemical variation, residue mobility, and thermodynamic stability) performed at Invitae indicates that this missense variant is not expected to disrupt TIMM50 protein function with a negative predictive value of 80%. In summary, the available evidence is currently insufficient to determine the role of this variant in disease. Therefore, it has been classified as a Variant of Uncertain Significance.